The following is an entry in ClinVar:

ClinVar aggregate classification (germline): Uncertain significance (1 of 4 stars; one submission).

Conditions:
Left ventricular noncompaction 8 (LVNC8). Identifiers: Orphanet 154, Orphanet 54260, MedGen C3809288, MONDO:0014152, OMIM 615373.

gnomAD v4.1: 1 of 1,613,854 alleles (0.000062%); no homozygotes.

Submission:

Labcorp Genetics (formerly Invitae), Labcorp
Classification: Uncertain significance for Left ventricular noncompaction 8. Last evaluated: 2023-05-19. Review status: criteria provided, single submitter. Criteria: Invitae Variant Classification Sherloc (09022015). Collection method: clinical testing. Allele origin: germline.
Comment: This sequence change affects codon 992 of the PRDM16 mRNA. It is a 'silent' change, meaning that it does not change the encoded amino acid sequence of the PRDM16 protein. This variant is not present in population databases (gnomAD no frequency). This variant has not been reported in the literature in individuals affected with PRDM16-related conditions. Algorithms developed to predict the effect of sequence changes on RNA splicing suggest that this variant may create or strengthen a splice site. In summary, the available evidence is currently insufficient to determine the role of this variant in disease. Therefore, it has been classified as a Variant of Uncertain Significance.

NM_022114.4(PRDM16):c.2976G>C (p.Ser992=)

Gene: PRDM16 (PR/SET domain 16; plus strand). Cytogenetic location: 1p36.32.
Variant type: single nucleotide variant.
Coding change: c.2976G>C on transcript NM_022114.4 (MANE Select); coding-DNA position 2976, G replaced by C.
Protein change: p.Ser992=; no amino-acid change (serine 992 retained).
Molecular consequence: synonymous variant.
Genome position (GRCh38, 1-based): chr1:3,425,617, G>C. VCF-style: chr1-3425617-G-C. GRCh37 (hg19) VCF-style: chr1-3342181-G-C.
Other names: c.2976G>C, p.Ser992= (NM_199454.3).
Identifiers: ClinVar variation 2969780 (VCV002969780.3), dbSNP rs558657594, ClinGen allele CA415536778.